The following is an entry in ClinVar:

NM_002861.5(PCYT2):c.683G>A (p.Gly228Glu)

Gene: PCYT2 (phosphate cytidylyltransferase 2, ethanolamine; minus strand). Cytogenetic location: 17q25.3.
Variant type: single nucleotide variant.
Coding change: c.683G>A on transcript NM_002861.5 (MANE Select); coding-DNA position 683, G replaced by A.
Protein change: p.Gly228Glu; replaces glycine 228 with glutamic acid.
Molecular consequence: missense variant.
Genome position (GRCh38, 1-based): chr17:81,906,540, C>T on the plus strand (G>A on the coding strand, the complement: PCYT2 is on the minus strand). VCF-style: chr17-81906540-C-T. GRCh37 (hg19) VCF-style: chr17-79864416-C-T.
Other names: c.737G>A, p.Gly246Glu (NM_001184917.3); c.521G>A, p.Gly174Glu (NM_001256433.3); c.560G>A, p.Gly187Glu (NM_001256434.3); c.449G>A, p.Gly150Glu (NM_001256435.3, NM_001282203.2); c.587G>A, p.Gly196Glu (NM_001282204.2); c.683G>A, p.Gly228Glu (NM_001330518.2); c.737G>A (NM_001184917.1); short protein forms G150E, G174E, G187E, G196E, G228E, G246E.
Identifiers: ClinVar variation 3027448 (VCV003027448.2), dbSNP rs2040278710, ClinGen allele CA401521397.

ClinVar aggregate classification (germline): Conflicting classifications of pathogenicity. Review status: criteria provided, conflicting classifications (1 of 4 stars). 2 submissions from 2 submitters: Likely pathogenic (1); Uncertain significance (1). Last evaluated 2024-01-22.

Conditions:
Spastic paraplegia 82, autosomal recessive (SPG82). Identifiers: Orphanet 631073, MedGen C5394037, MONDO:0032906, OMIM 618770.
Inborn genetic diseases. Identifiers: MedGen C0950123, MeSH D030342.

Allele frequency attached by ClinVar (database versions not stated): gnomAD exomes below 0.00001; TOPMed below 0.00001.
gnomAD v4.1: 1 of 1,613,426 alleles (0.000062%); highest among the groups gnomAD compares: East Asian, 0.0022%; no homozygotes.

Submissions (2):

Ambry Genetics
Classification: Uncertain significance for Inborn genetic diseases. Last evaluated: 2024-01-22. Review status: criteria provided, single submitter. Criteria: Ambry Variant Classification Scheme 2023. Collection method: clinical testing. Allele origin: germline.

Human Genetics Bochum, Ruhr University Bochum
Classification: Likely pathogenic for Spastic paraplegia 82, autosomal recessive. Last evaluated: 2023-03-31. Review status: criteria provided, single submitter. Criteria: ACMG Guidelines, 2015. Collection method: clinical testing. Allele origin: germline. Affected: yes.
Comment: ACMG criteria used to clasify this variant: PM1, PP3_STR, PM2_SUP